The following is an entry in ClinVar:

ClinVar aggregate classification (germline): Benign/Likely benign. Review status: criteria provided, multiple submitters, no conflicts (2 of 4 stars). 2 submissions from 2 submitters: Benign (1); Likely benign (1). Last evaluated 2024-12-19.

Conditions:
Hereditary nonpolyposis colorectal neoplasms. Identifiers: MedGen C0009405, MeSH D003123.
Lynch syndrome 5 (LYNCH5). Also called: Hereditary non-polyposis colorectal cancer, type 5; Colorectal cancer, hereditary nonpolyposis, type 5. Identifiers: Orphanet 144, MedGen C1833477, MONDO:0013710, OMIM 614350. Disease mechanism: loss of function.

gnomAD v4.1: 1 of 1,614,176 alleles (0.000062%); highest among the groups gnomAD compares: Non-Finnish European, 0.000085%; no homozygotes.

Submissions (2):

Myriad Genetics, Inc.
Classification: Benign for Lynch syndrome 5. Last evaluated: 2024-12-19. Review status: criteria provided, single submitter. Criteria: Myriad Autosomal Dominant, Autosomal Recessive and X-Linked Classification Criteria (2023). Collection method: clinical testing. Allele origin: unknown.
Comment: This variant is considered benign. This variant is a silent/synonymous amino acid change and it is not expected to impact splicing.

Labcorp Genetics (formerly Invitae), Labcorp
Classification: Likely benign for Hereditary nonpolyposis colorectal neoplasms. Last evaluated: 2022-08-19. Review status: criteria provided, single submitter. Criteria: Invitae Variant Classification Sherloc (09022015). Collection method: clinical testing. Allele origin: germline.

NM_000179.3(MSH6):c.582A>G (p.Ala194=)

Gene: MSH6 (mutS homolog 6; plus strand). Cytogenetic location: 2p16.3.
Variant type: single nucleotide variant.
Coding change: c.582A>G on transcript NM_000179.3 (MANE Select); coding-DNA position 582, A replaced by G.
Protein change: p.Ala194=; no amino-acid change (alanine 194 retained).
Molecular consequence: synonymous variant. On other transcripts: 5 prime UTR variant (2), non-coding transcript variant (5), intron variant (8).
Genome position (GRCh38, 1-based): chr2:47,796,018, A>G. VCF-style: chr2-47796018-A-G. GRCh37 (hg19) VCF-style: chr2-48023157-A-G.
Other names: c.-321A>G (NM_001281494.2); c.678A>G, p.Ala226= (NM_001406795.1, NM_001406802.1); c.582A>G, p.Ala194= (NM_001406796.1, NM_001406798.1, NM_001406800.1 and 5 more transcripts); c.285A>G, p.Ala95= (NM_001406797.1, NM_001406801.1, NM_001406805.1 and 10 more transcripts); c.57A>G, p.Ala19= (NM_001406799.1, NM_001406806.1, NM_001406807.1); c.504A>G, p.Ala168= (NM_001406804.1); c.588A>G, p.Ala196= (NM_001406813.1); c.-413A>G (NM_001406814.1); and 3 more.
Identifiers: ClinVar variation 2024886 (VCV002024886.5), dbSNP rs1392299703, ClinGen allele CA425993088.